The following is an entry in ClinVar:

NM_001003800.2(BICD2):c.2189G>T (p.Arg730Leu)

Gene: BICD2 (BICD cargo adaptor 2; minus strand). Cytogenetic location: 9q22.31.
Variant type: single nucleotide variant.
Coding change: c.2189G>T on transcript NM_001003800.2 (MANE Select); coding-DNA position 2189, G replaced by T.
Protein change: p.Arg730Leu; replaces arginine 730 with leucine.
Molecular consequence: missense variant.
Genome position (GRCh38, 1-based): chr9:92,717,866, C>A on the plus strand (G>T on the coding strand, the complement: BICD2 is on the minus strand). VCF-style: chr9-92717866-C-A. GRCh37 (hg19) VCF-style: chr9-95480148-C-A.
Other names: c.2189G>T, p.Arg730Leu (NM_015250.4); short protein forms R730L.
Identifiers: ClinVar variation 1402211 (VCV001402211.8), dbSNP rs943974428, ClinGen allele CA374032599.
Genomic context (GRCh38, chr9:92,717,866, plus strand): 5'-AACATAGCACGCAGCGAGGAGAAGGTGGCTGCGTCCTCCTTGAGGGCCTTGAGCTCATTG[C>A]GCAGCTTCATCATGGTCTCGGTAACCATGGCCTTCTCATTCTCATACTTGCTCTTCAGGT-3'
Protein context (NP_001003800.1, residues 720-740): AMVTETMMKL[Arg730Leu]NELKALKEDA

ClinVar aggregate classification (germline): Uncertain significance (1 of 4 stars; one submission).

Conditions:
Autosomal dominant childhood-onset proximal spinal muscular atrophy with contractures (SMALED2A). Also called: Spinal muscular atrophy, lower extremity-predominant, 2A, autosomal dominant; SPINAL MUSCULAR ATROPHY, LOWER EXTREMITY-PREDOMINANT, 2A, CHILDHOOD ONSET, AUTOSOMAL DOMINANT. Identifiers: Orphanet 363447, Orphanet 363454, MedGen C4747715, MONDO:0014121, OMIM 615290.

gnomAD v4.1: 1 of 1,613,138 alleles (0.000062%); highest among the groups gnomAD compares: Non-Finnish European, 0.000085%; no homozygotes.

Submission:

Labcorp Genetics (formerly Invitae), Labcorp
Classification: Uncertain significance for Autosomal dominant childhood-onset proximal spinal muscular atrophy with contractures. Last evaluated: 2024-12-16. Review status: criteria provided, single submitter. Criteria: Invitae Variant Classification Sherloc (09022015). Collection method: clinical testing. Allele origin: germline.
Comment: This sequence change replaces arginine, which is basic and polar, with leucine, which is neutral and non-polar, at codon 730 of the BICD2 protein (p.Arg730Leu). This variant is not present in population databases (gnomAD no frequency). This variant has not been reported in the literature in individuals affected with BICD2-related conditions. ClinVar contains an entry for this variant (Variation ID: 1402211). Invitae Evidence Modeling incorporating data from in vitro experimental studies (internal data) indicates that this missense variant is not expected to disrupt BICD2 function with a negative predictive value of 95%. In summary, the available evidence is currently insufficient to determine the role of this variant in disease. Therefore, it has been classified as a Variant of Uncertain Significance.